The following is an entry in ClinVar:

ClinVar aggregate classification (germline): Uncertain significance (1 of 4 stars; one submission).

Submission:

Ambry Genetics
Classification: Uncertain significance. Last evaluated: 2024-05-19. Review status: criteria provided, single submitter. Criteria: Ambry Variant Classification Scheme 2023. Collection method: clinical testing. Allele origin: germline.
Comment: The p.K997Q variant (also known as c.2989A>C), located in coding exon 18 of the MYOM1 gene, results from an A to C substitution at nucleotide position 2989. The lysine at codon 997 is replaced by glutamine, an amino acid with similar properties. This amino acid position is conserved. In addition, this alteration is predicted to be tolerated by in silico analysis. Based on the available evidence, the clinical significance of this variant remains unclear.

NM_003803.4(MYOM1):c.2989A>C (p.Lys997Gln)

Gene: MYOM1 (myomesin 1; minus strand). Cytogenetic location: 18p11.31.
Variant type: single nucleotide variant.
Coding change: c.2989A>C on transcript NM_003803.4 (MANE Select); coding-DNA position 2989, A replaced by C.
Protein change: p.Lys997Gln; replaces lysine 997 with glutamine.
Molecular consequence: missense variant.
Genome position (GRCh38, 1-based): chr18:3,126,703, T>G on the plus strand (A>C on the coding strand, the complement: MYOM1 is on the minus strand). VCF-style: chr18-3126703-T-G. GRCh37 (hg19) VCF-style: chr18-3126701-T-G.
Other names: c.2701A>C, p.Lys901Gln (NM_019856.2); short protein forms K901Q, K997Q.
Identifiers: ClinVar variation 3298039 (VCV003298039.1).